The following is an entry in ClinVar:

NM_173551.5(ANKS6):c.1733G>A (p.Arg578His)

Gene: ANKS6 (ankyrin repeat and sterile alpha motif domain containing 6; minus strand). Cytogenetic location: 9q22.33.
Variant type: single nucleotide variant.
Coding change: c.1733G>A on transcript NM_173551.5 (MANE Select); coding-DNA position 1733, G replaced by A.
Protein change: p.Arg578His; replaces arginine 578 with histidine.
Molecular consequence: missense variant.
Genome position (GRCh38, 1-based): chr9:98,773,965, C>T on the plus strand (G>A on the coding strand, the complement: ANKS6 is on the minus strand). VCF-style: chr9-98773965-C-T. GRCh37 (hg19) VCF-style: chr9-101536247-C-T.
Other names: c.1733G>A (NM_173551.3); short protein forms R578H.
Identifiers: ClinVar variation 2084452 (VCV002084452.2), dbSNP rs754954186, ClinGen allele CA5153380.

ClinVar aggregate classification (germline): Uncertain significance. Review status: criteria provided, multiple submitters, no conflicts (2 of 4 stars). 2 submissions from 2 submitters: Uncertain significance (2). Last evaluated 2025-10-15.

Conditions:
Inborn genetic diseases. Identifiers: MedGen C0950123, MeSH D030342.
Nephronophthisis 16 (NPHP16). Identifiers: Orphanet 655, MedGen C3809320, MONDO:0014158, OMIM 615382.

Allele frequency attached by ClinVar (database versions not stated): gnomAD 0.00001; TOPMed 0.00002; ExAC 0.00004.
gnomAD v4.1: 31 of 1,600,566 alleles (0.0019%); highest among the groups gnomAD compares: Admixed American, 0.0068%; no homozygotes.

Submissions (2):

Ambry Genetics
Classification: Uncertain significance for Inborn genetic diseases. Last evaluated: 2025-10-15. Review status: criteria provided, single submitter. Criteria: Ambry Variant Classification Scheme 2023. Collection method: clinical testing. Allele origin: germline.

Labcorp Genetics (formerly Invitae), Labcorp
Classification: Uncertain significance for Nephronophthisis 16. Last evaluated: 2022-04-15. Review status: criteria provided, single submitter. Criteria: Invitae Variant Classification Sherloc (09022015). Collection method: clinical testing. Allele origin: germline.
Comment: This sequence change replaces arginine, which is basic and polar, with histidine, which is basic and polar, at codon 578 of the ANKS6 protein (p.Arg578His). This variant is present in population databases (rs754954186, gnomAD 0.009%). This variant has not been reported in the literature in individuals affected with ANKS6-related conditions. Algorithms developed to predict the effect of missense changes on protein structure and function (SIFT, PolyPhen-2, Align-GVGD) all suggest that this variant is likely to be tolerated. In summary, the available evidence is currently insufficient to determine the role of this variant in disease. Therefore, it has been classified as a Variant of Uncertain Significance.